The following is an entry in ClinVar:

NM_014244.5(ADAMTS2):c.108delinsGAGACAGT (p.Asn36fs)

Gene: ADAMTS2 (ADAM metallopeptidase with thrombospondin type 1 motif 2; minus strand). Cytogenetic location: 5q35.3.
Variant type: Indel.
Coding change: c.108delinsGAGACAGT on transcript NM_014244.5 (MANE Select); coding-DNA position 108, C replaced by GAGACAGT.
Protein change: p.Asn36fs; shifts the reading frame from asparagine 36.
Molecular consequence: frameshift variant.
Genome position (GRCh38, 1-based): chr5:179,345,221, G replaced by ACTGTCTC on the plus strand (C replaced by GAGACAGT on the coding strand, the reverse complement: ADAMTS2 is on the minus strand). VCF-style: chr5-179345221-G-ACTGTCTC. GRCh37 (hg19) VCF-style: chr5-178772222-G-ACTGTCTC.
Other names: c.108delinsGAGACAGT, p.Asn36fs (NM_021599.4); short protein forms N36fs.
Identifiers: ClinVar variation 5010421 (VCV005010421.1).

ClinVar aggregate classification (germline): Pathogenic (1 of 4 stars; one submission).

Conditions:
Ehlers-Danlos syndrome, dermatosparaxis type. Also called: EDS VIIC; Dermatosparaxis; Ehlers-Danlos syndrome, type VII, autosomal recessive. Identifiers: Orphanet 1901, MedGen C2700425, MONDO:0009161, OMIM 225410.

Submission:

Myriad Genetics, Inc.
Classification: Pathogenic for Ehlers-Danlos syndrome, dermatosparaxis type. Last evaluated: 2024-05-14. Review status: criteria provided, single submitter. Criteria: Myriad Autosomal Dominant, Autosomal Recessive and X-Linked Classification Criteria (2023). Collection method: clinical testing. Allele origin: unknown.
Comment: NM_014244.4(ADAMTS2):c.108del1ins8(N36Kfs*32) is expected to be pathogenic in the context of Ehlers-Danlos syndrome, ADAMTS2-related. This variant is predicted to lead to an abnormal or absent protein product due to the creation of a premature termination codon in ADAMTS2, a gene where loss-of-function variants are known to be pathogenic. Please note: this variant was assessed in the context of healthy population screening.